The following is an entry in ClinVar:

ClinVar aggregate classification (germline): Uncertain significance (1 of 4 stars; one submission).

Conditions:
Primary ciliary dyskinesia. Also called: Ciliary dyskinesia. Identifiers: Orphanet 244, MedGen C0008780, MONDO:0016575, HP:0012265.

Submission:

Labcorp Genetics (formerly Invitae), Labcorp
Classification: Uncertain significance for Primary ciliary dyskinesia. Last evaluated: 2025-12-16. Review status: criteria provided, single submitter. Criteria: Invitae Variant Classification Sherloc (09022015). Collection method: clinical testing. Allele origin: germline.
Comment: This sequence change replaces valine, which is neutral and non-polar, with phenylalanine, which is neutral and non-polar, at codon 2854 of the DNAH11 protein (p.Val2854Phe). This variant is not present in population databases (gnomAD no frequency). This missense change has been observed in individual(s) with clinical features of DNAH11-related conditions (internal data). In at least one individual the data is consistent with being in trans (on the opposite chromosome) from a pathogenic variant. ClinVar contains an entry for this variant (Variation ID: 854163). Invitae Evidence Modeling of protein sequence and biophysical properties (such as structural, functional, and spatial information, amino acid conservation, physicochemical variation, residue mobility, and thermodynamic stability) indicates that this missense variant is not expected to disrupt DNAH11 protein function with a negative predictive value of 95%. In summary, the available evidence is currently insufficient to determine the role of this variant in disease. Therefore, it has been classified as a Variant of Uncertain Significance.

NM_001277115.2(DNAH11):c.8560G>T (p.Val2854Phe)

Gene: DNAH11 (dynein axonemal heavy chain 11; plus strand). Cytogenetic location: 7p15.3.
Variant type: single nucleotide variant.
Coding change: c.8560G>T on transcript NM_001277115.2 (MANE Select); coding-DNA position 8560, G replaced by T.
Protein change: p.Val2854Phe; replaces valine 2854 with phenylalanine.
Molecular consequence: missense variant.
Genome position (GRCh38, 1-based): chr7:21,748,629, G>T. VCF-style: chr7-21748629-G-T. GRCh37 (hg19) VCF-style: chr7-21788247-G-T.
Other names: short protein forms V2854F.
Identifiers: ClinVar variation 854163 (VCV000854163.8), dbSNP rs1786264555, ClinGen allele CA366955127.